The following is an entry in ClinVar:

NM_000903.3(NQO1):c.319T>A (p.Phe107Ile)

Gene: NQO1 (NAD(P)H quinone dehydrogenase 1; minus strand). Cytogenetic location: 16q22.1.
Variant type: single nucleotide variant.
Coding change: c.319T>A on transcript NM_000903.3 (MANE Select); coding-DNA position 319, T replaced by A.
Protein change: p.Phe107Ile; replaces phenylalanine 107 with isoleucine.
Molecular consequence: missense variant. On other transcripts: intron variant (2).
Genome position (GRCh38, 1-based): chr16:69,715,062, A>T on the plus strand (T>A on the coding strand, the complement: NQO1 is on the minus strand). VCF-style: chr16-69715062-A-T. GRCh37 (hg19) VCF-style: chr16-69748965-A-T.
Other names: c.319T>A, p.Phe107Ile (NM_001025433.2); c.303+3061T>A (NM_001286137.2); c.304-1933T>A (NM_001025434.2); short protein forms F107I.
Identifiers: ClinVar variation 1728777 (VCV001728777.2), dbSNP rs2544326737, ClinGen allele CA396489002.

ClinVar aggregate classification (germline): Uncertain significance (1 of 4 stars; one submission).

Submission:

Ambry Genetics
Classification: Uncertain significance. Last evaluated: 2021-09-23. Review status: criteria provided, single submitter. Criteria: Ambry Variant Classification Scheme 2023. Collection method: clinical testing. Allele origin: germline.
Comment: The p.F107I variant (also known as c.319T>A), located in coding exon 4 of the NQO1 gene, results from a T to A substitution at nucleotide position 319. The phenylalanine at codon 107 is replaced by isoleucine, an amino acid with highly similar properties. This amino acid position is conserved. In addition, this alteration is predicted to be deleterious by in silico analysis. Since supporting evidence is limited at this time, the clinical significance of this alteration remains unclear.